The following is an entry in ClinVar:

NM_001267727.2(ARSG):c.590C>T (p.Thr197Ile)

Gene: ARSG (arylsulfatase G; plus strand). Cytogenetic location: 17q24.2.
Variant type: single nucleotide variant.
Coding change: c.590C>T on transcript NM_001267727.2 (MANE Select); coding-DNA position 590, C replaced by T.
Protein change: p.Thr197Ile; replaces threonine 197 with isoleucine.
Molecular consequence: missense variant.
Genome position (GRCh38, 1-based): chr17:68,356,690, C>T. VCF-style: chr17-68356690-C-T. GRCh37 (hg19) VCF-style: chr17-66352831-C-T.
Other names: c.590C>T, p.Thr197Ile (NM_001352899.2, NM_001352900.2, NM_001352901.2 and 8 more transcripts); c.542C>T, p.Thr181Ile (NM_001352909.2); short protein forms T181I, T197I.
Identifiers: ClinVar variation 1947333 (VCV001947333.4), dbSNP rs762906940, ClinGen allele CA8728300.

ClinVar aggregate classification (germline): Uncertain significance (1 of 4 stars; one submission).

Allele frequency attached by ClinVar (database versions not stated): gnomAD 0.00001; TOPMed 0.00001; ExAC 0.00003.
gnomAD v4.1: 15 of 1,614,104 alleles (0.00093%); highest among the groups gnomAD compares: Middle Eastern, 0.016%; no homozygotes.

Submission:

Labcorp Genetics (formerly Invitae), Labcorp
Classification: Uncertain significance. Last evaluated: 2022-06-15. Review status: criteria provided, single submitter. Criteria: Invitae Variant Classification Sherloc (09022015). Collection method: clinical testing. Allele origin: germline.
Comment: In summary, the available evidence is currently insufficient to determine the role of this variant in disease. Therefore, it has been classified as a Variant of Uncertain Significance. Algorithms developed to predict the effect of missense changes on protein structure and function (SIFT, PolyPhen-2, Align-GVGD) all suggest that this variant is likely to be tolerated. This variant has not been reported in the literature in individuals affected with ARSG-related conditions. This variant is present in population databases (rs762906940, gnomAD 0.01%). This sequence change replaces threonine, which is neutral and polar, with isoleucine, which is neutral and non-polar, at codon 197 of the ARSG protein (p.Thr197Ile).